The following is an entry in ClinVar:

NM_003482.4(KMT2D):c.7299A>C (p.Glu2433Asp)

Gene: KMT2D (lysine methyltransferase 2D; minus strand). Cytogenetic location: 12q13.12.
Variant type: single nucleotide variant.
Coding change: c.7299A>C on transcript NM_003482.4 (MANE Select); coding-DNA position 7299, A replaced by C.
Protein change: p.Glu2433Asp; replaces glutamic acid 2433 with aspartic acid.
Molecular consequence: missense variant.
Genome position (GRCh38, 1-based): chr12:49,040,471, T>G on the plus strand (A>C on the coding strand, the complement: KMT2D is on the minus strand). VCF-style: chr12-49040471-T-G. GRCh37 (hg19) VCF-style: chr12-49434254-T-G.
Other names: short protein forms E2433D.
Identifiers: ClinVar variation 1955026 (VCV001955026.6), dbSNP rs774115773, ClinGen allele CA6547093.

ClinVar aggregate classification (germline): Uncertain significance. Review status: criteria provided, multiple submitters, no conflicts (2 of 4 stars). 2 submissions from 2 submitters: Uncertain significance (2). Last evaluated 2025-02-10.

Conditions:
Kabuki syndrome. Also called: NIIKAWA-KUROKI SYNDROME; Kabuki make-up syndrome. Identifiers: Orphanet 2322, MedGen C0796004, MONDO:0016512.

Allele frequency attached by ClinVar (database versions not stated): gnomAD 0.00003; TOPMed 0.00003; ExAC 0.00001.
gnomAD v4.1: 7 of 1,566,582 alleles (0.00045%); highest among the groups gnomAD compares: African/African-American, 0.0082%; no homozygotes.

Submissions (2):

Labcorp Genetics (formerly Invitae), Labcorp
Classification: Uncertain significance for Kabuki syndrome. Last evaluated: 2025-02-10. Review status: criteria provided, single submitter. Criteria: Invitae Variant Classification Sherloc (09022015). Collection method: clinical testing. Allele origin: germline.
Comment: This sequence change replaces glutamic acid, which is acidic and polar, with aspartic acid, which is acidic and polar, at codon 2433 of the KMT2D protein (p.Glu2433Asp). This variant is not present in population databases (gnomAD no frequency). This variant has not been reported in the literature in individuals affected with KMT2D-related conditions. ClinVar contains an entry for this variant (Variation ID: 1955026). Invitae Evidence Modeling of protein sequence and biophysical properties (such as structural, functional, and spatial information, amino acid conservation, physicochemical variation, residue mobility, and thermodynamic stability) indicates that this missense variant is not expected to disrupt KMT2D protein function with a negative predictive value of 95%. In summary, the available evidence is currently insufficient to determine the role of this variant in disease. Therefore, it has been classified as a Variant of Uncertain Significance.

GeneDx
Classification: Uncertain significance. Last evaluated: 2023-05-19. Review status: criteria provided, single submitter. Criteria: GeneDx Variant Classification Process June 2021. Collection method: clinical testing. Allele origin: germline. Affected: yes.
Comment: Not observed at significant frequency in large population cohorts (gnomAD); In silico analysis supports that this missense variant does not alter protein structure/function; Has not been previously published as pathogenic or benign to our knowledge